The following is an entry in ClinVar:

NM_014283.5(SUCO):c.1266G>A (p.Met422Ile)

Gene: SUCO (SUN domain containing ossification factor; plus strand). Cytogenetic location: 1q24.3.
Variant type: single nucleotide variant.
Coding change: c.1266G>A on transcript NM_014283.5 (MANE Select); coding-DNA position 1266, G replaced by A.
Protein change: p.Met422Ile; replaces methionine 422 with isoleucine.
Molecular consequence: missense variant. On other transcripts: 5 prime UTR variant (1), intron variant (1).
Genome position (GRCh38, 1-based): chr1:172,577,541, G>A. VCF-style: chr1-172577541-G-A. GRCh37 (hg19) VCF-style: chr1-172546681-G-A.
Other names: c.1155G>A, p.Met385Ile (NM_001282750.2); c.-264G>A (NM_001282751.2); c.1738-223G>A (NM_016227.4); short protein forms M385I, M422I.
Identifiers: ClinVar variation 3021293 (VCV003021293.3), dbSNP rs2527373550, ClinGen allele CA343739043.

ClinVar aggregate classification (germline): Uncertain significance (1 of 4 stars; one submission).

Allele frequency attached by ClinVar (database versions not stated): gnomAD exomes below 0.00001.
gnomAD v4.1: 1 of 1,610,462 alleles (0.000062%); highest among the groups gnomAD compares: Non-Finnish European, 0.000085%; no homozygotes.

Submission:

Labcorp Genetics (formerly Invitae), Labcorp
Classification: Uncertain significance. Last evaluated: 2023-04-30. Review status: criteria provided, single submitter. Criteria: Invitae Variant Classification Sherloc (09022015). Collection method: clinical testing. Allele origin: germline.
Comment: In summary, the available evidence is currently insufficient to determine the role of this variant in disease. Therefore, it has been classified as a Variant of Uncertain Significance. An algorithm developed to predict the effect of missense changes on protein structure and function (PolyPhen-2) suggests that this variant is likely to be disruptive. This variant has not been reported in the literature in individuals affected with SUCO-related conditions. This variant is not present in population databases (gnomAD no frequency). This sequence change replaces methionine, which is neutral and non-polar, with isoleucine, which is neutral and non-polar, at codon 422 of the SUCO protein (p.Met422Ile).